The following is an entry in ClinVar:

NM_001267550.2(TTN):c.8685G>C (p.Glu2895Asp)

Gene: TTN (titin; minus strand). Cytogenetic location: 2q31.2.
Variant type: single nucleotide variant.
Coding change: c.8685G>C on transcript NM_001267550.2 (MANE Select); coding-DNA position 8685, G replaced by C.
Protein change: p.Glu2895Asp; replaces glutamic acid 2895 with aspartic acid.
Molecular consequence: missense variant.
Genome position (GRCh38, 1-based): chr2:178,769,896, C>G on the plus strand (G>C on the coding strand, the complement: TTN is on the minus strand). VCF-style: chr2-178769896-C-G. GRCh37 (hg19) VCF-style: chr2-179634623-C-G.
Other names: p.E2895D:GAG>GAC; c.8685G>C, p.Glu2895Asp (NM_001256850.1, NM_133378.4, NM_133379.5); c.8547G>C, p.Glu2849Asp (NM_003319.4, NM_133432.3, NM_133437.4); short protein forms E2895D, E2849D.
Identifiers: ClinVar variation 203163 (VCV000203163.2), dbSNP rs727503685, ClinGen allele CA311525.

ClinVar aggregate classification (germline): Uncertain significance (1 of 4 stars; one submission).

Submission:

GeneDx
Classification: Uncertain significance. Last evaluated: 2014-11-19. Review status: criteria provided, single submitter. Criteria: GeneDx Variant Classification (06012015). Collection method: clinical testing. Allele origin: germline. Affected: yes.
Comment: Missense variants in the TTN gene are considered 'unclassified' if they are not previously reported in the literature and do not have >1% frequency in the population to be considered a polymorphism. Research indicates that truncating mutations in the TTN gene are expected to account for approximately 25% of familial and 18% of sporadic idiopathic DCM; however, truncating variants in the TTN gene have been reported in approximately 3% of reported control alleles. There has been little investigation into non-truncating variants. (Herman D et al. Truncations of titin causing dilated cardiomyopathy. N Eng J Med 366:619-628, 2012) The variant is found in CARDIOMYOPATHY panel(s).